The following is an entry in ClinVar:

ClinVar aggregate classification (germline): Uncertain significance (1 of 4 stars; one submission).

Conditions:
Catecholaminergic polymorphic ventricular tachycardia 1. Also called: RYR2-Related Catecholaminergic Polymorphic Ventricular Tachycardia; VENTRICULAR TACHYCARDIA, CATECHOLAMINERGIC POLYMORPHIC, 1, WITH OR WITHOUT ATRIAL DYSFUNCTION AND/OR DILATED CARDIOMYOPATHY; VENTRICULAR TACHYCARDIA, STRESS-INDUCED POLYMORPHIC 1. Identifiers: Orphanet 3286, MedGen C1631597, MONDO:0011484, OMIM 604772.

Allele frequency attached by ClinVar (database versions not stated): gnomAD exomes below 0.00001; ExAC 0.00001; gnomAD 0.00001.
gnomAD v4.1: 1 of 1,613,912 alleles (0.000062%); highest among the groups gnomAD compares: African/African-American, 0.0013%; no homozygotes.

Submission:

Labcorp Genetics (formerly Invitae), Labcorp
Classification: Uncertain significance for Catecholaminergic polymorphic ventricular tachycardia 1. Last evaluated: 2021-06-16. Review status: criteria provided, single submitter. Criteria: Invitae Variant Classification Sherloc (09022015). Collection method: clinical testing. Allele origin: germline.
Comment: In summary, the available evidence is currently insufficient to determine the role of this variant in disease. Therefore, it has been classified as a Variant of Uncertain Significance. Advanced modeling of protein sequence and biophysical properties (such as structural, functional, and spatial information, amino acid conservation, physicochemical variation, residue mobility, and thermodynamic stability) performed at Invitae indicates that this missense variant is not expected to disrupt RYR2 protein function. This variant has not been reported in the literature in individuals with RYR2-related conditions. This variant is present in population databases (rs747893832, ExAC 0.01%). This sequence change replaces valine with isoleucine at codon 775 of the RYR2 protein (p.Val775Ile). The valine residue is highly conserved and there is a small physicochemical difference between valine and isoleucine.

NM_001035.3(RYR2):c.2323G>A (p.Val775Ile)

Gene: RYR2 (ryanodine receptor 2; plus strand). Cytogenetic location: 1q43.
Variant type: single nucleotide variant.
Coding change: c.2323G>A on transcript NM_001035.3 (MANE Select); coding-DNA position 2323, G replaced by A.
Protein change: p.Val775Ile; replaces valine 775 with isoleucine.
Molecular consequence: missense variant.
Genome position (GRCh38, 1-based): chr1:237,500,830, G>A. VCF-style: chr1-237500830-G-A. GRCh37 (hg19) VCF-style: chr1-237664130-G-A.
Other names: short protein forms V775I.
Identifiers: ClinVar variation 1362757 (VCV001362757.9), dbSNP rs747893832, ClinGen allele CA086013.